The following is an entry in ClinVar:

NM_015466.4(PTPN23):c.2718C>A (p.Pro906=)

Gene: PTPN23 (protein tyrosine phosphatase non-receptor type 23; plus strand). Cytogenetic location: 3p21.31.
Variant type: single nucleotide variant.
Coding change: c.2718C>A on transcript NM_015466.4 (MANE Select); coding-DNA position 2718, C replaced by A.
Protein change: p.Pro906=; no amino-acid change (proline 906 retained).
Molecular consequence: synonymous variant.
Genome position (GRCh38, 1-based): chr3:47,410,516, C>A. VCF-style: chr3-47410516-C-A. GRCh37 (hg19) VCF-style: chr3-47452006-C-A.
Other names: c.2340C>A, p.Pro780= (NM_001304482.2).
Identifiers: ClinVar variation 2653756 (VCV002653756.24), dbSNP rs1482115893, ClinGen allele CA433605380.

ClinVar aggregate classification (germline): Likely benign (1 of 4 stars; one submission).

Allele frequency attached by ClinVar (database versions not stated): gnomAD exomes below 0.00001.

Submission:

CeGaT Center for Human Genetics Tuebingen
Classification: Likely benign. Last evaluated: 2022-03-01. Review status: criteria provided, single submitter. Criteria: CeGaT Center For Human Genetics Tuebingen Variant Classification Criteria Version 2. Collection method: clinical testing. Allele origin: germline. Affected: yes. Observed: 1 variant allele.
Comment: PTPN23: BP4, BP7